The following is an entry in ClinVar:

NM_000719.7(CACNA1C):c.4927C>T (p.Pro1643Ser)

Genes: CACNA1C (calcium voltage-gated channel subunit alpha1 C; plus strand), CACNA1C-AS1 (CACNA1C antisense RNA 1; minus strand). Cytogenetic location: 12p13.33.
Variant type: single nucleotide variant.
Coding change: c.4927C>T on transcript NM_000719.7 (MANE Select); coding-DNA position 4927, C replaced by T.
Protein change: p.Pro1643Ser; replaces proline 1643 with serine.
Molecular consequence: missense variant. On other transcripts: non-coding transcript variant (1).
Genome position (GRCh38, 1-based): chr12:2,677,192, C>T. VCF-style: chr12-2677192-C-T. GRCh37 (hg19) VCF-style: chr12-2786358-C-T.
Other names: p.P1643S:CCC>TCC; c.5071C>T, p.Pro1691Ser (NM_001129827.2, NM_199460.4); c.5050C>T, p.Pro1684Ser (NM_001129829.2); c.4927C>T, p.Pro1643Ser (NM_001129830.3, NM_001129840.2, NM_001129841.2 and 4 more transcripts); c.5011C>T, p.Pro1671Ser (NM_001129831.2); c.4987C>T, p.Pro1663Ser (NM_001129832.2); c.4984C>T, p.Pro1662Ser (NM_001129833.2, NM_001129834.2, NM_001129835.2); c.4978C>T, p.Pro1660Ser (NM_001129836.2); and 4 more; short protein forms P1643S, P1691S, P1663S, P1684S, P1662S, P1671S, P1632S, P1640S.
Identifiers: ClinVar variation 190674 (VCV000190674.7), dbSNP rs786205764, ClinGen allele CA301535.

ClinVar aggregate classification (germline): Uncertain significance. Review status: criteria provided, multiple submitters, no conflicts (2 of 4 stars). 2 submissions from 2 submitters: Uncertain significance (2). Last evaluated 2025-12-11.

Conditions:
Long QT syndrome (LQTS). Identifiers: MedGen C0023976, MeSH D008133, MONDO:0002442. Disease mechanism: loss of function. Inheritance: Various modes of inheritance.

Allele frequency attached by ClinVar (database versions not stated): gnomAD 0.00001; TOPMed 0.00001; gnomAD exomes 0.00002.
gnomAD v4.1: 28 of 1,613,570 alleles (0.0017%); highest among the groups gnomAD compares: Non-Finnish European, 0.0024%; no homozygotes.

Submissions (2):

Labcorp Genetics (formerly Invitae), Labcorp
Classification: Uncertain significance for Long QT syndrome. Last evaluated: 2025-12-11. Review status: criteria provided, single submitter. Criteria: Invitae Variant Classification Sherloc (09022015). Collection method: clinical testing. Allele origin: germline.
Comment: This sequence change replaces proline, which is neutral and non-polar, with serine, which is neutral and polar, at codon 1643 of the CACNA1C protein (p.Pro1643Ser). This variant is present in population databases (rs786205764, gnomAD 0.004%). This variant has not been reported in the literature in individuals affected with CACNA1C-related conditions. ClinVar contains an entry for this variant (Variation ID: 190674). Invitae Evidence Modeling of protein sequence and biophysical properties (such as structural, functional, and spatial information, amino acid conservation, physicochemical variation, residue mobility, and thermodynamic stability) indicates that this missense variant is not expected to disrupt CACNA1C protein function with a negative predictive value of 95%. In summary, the available evidence is currently insufficient to determine the role of this variant in disease. Therefore, it has been classified as a Variant of Uncertain Significance.

GeneDx
Classification: Uncertain significance. Last evaluated: 2013-04-22. Review status: criteria provided, single submitter. Criteria: GeneDx Variant Classification (06012015). Collection method: clinical testing. Allele origin: germline. Affected: yes.
Comment: p.Pro1643Ser (CCC>TCC): c.4927 C>T in exon 40 of the CACNA1C gene (NM_000719.6). The Pro1643Ser variant in the CACNA1C gene has not been reported as a disease-causing mutation or as a benign polymorphism to our knowledge. Pro1643Ser results in a non-conservative amino acid substitution of a non-polar Proline with a polar Serine at a position that is not well conserved across species. In silico analysis predicts Pro1643Ser is benign to the protein structure/function. No mutations in nearby codons have been reported in association with arrhythmia, indicating this region of the protein may be tolerant of change. Nevertheless, the Pro1643Ser variant was not observed in approximately 6,000 individuals of European and African American ancestry in the NHLBI Exome Sequencing Project, indicating it is not a common benign variant in these populations. With the clinical and molecular information available at this time, we cannot definitively determine if Pro1643Ser is a disease-causing mutation or a rare benign variant. The variant is found in LQT panel(s).